The following is an entry in ClinVar:

NM_000350.3(ABCA4):c.4855T>G (p.Phe1619Val)

Genes: ABCA4 (ATP binding cassette subfamily A member 4; minus strand), LOC126805793 (CDK7 strongly-dependent group 2 enhancer GRCh37_chr1:94486302-94487501; plus strand). Cytogenetic location: 1p22.1.
Variant type: single nucleotide variant.
Coding change: c.4855T>G on transcript NM_000350.3 (MANE Select); coding-DNA position 4855, T replaced by G.
Protein change: p.Phe1619Val; replaces phenylalanine 1619 with valine.
Molecular consequence: missense variant.
Genome position (GRCh38, 1-based): chr1:94,021,403, A>C on the plus strand (T>G on the coding strand, the complement: ABCA4 is on the minus strand). VCF-style: chr1-94021403-A-C. GRCh37 (hg19) VCF-style: chr1-94486959-A-C.
Other names: c.4633T>G, p.Phe1545Val (NM_001425324.1); c.4855T>G (NM_000350.2); short protein forms F1619V, F1545V.
Identifiers: ClinVar variation 1947135 (VCV001947135.4), dbSNP rs1320443166, ClinGen allele CA341283231.
Genomic context (GRCh38, chr1:94,021,403, plus strand): 5'-AGATGGCGTTGTGGGCCACATTGAGAAAGCTGACCAGGGCATGCCAGCCTTTGTTATTAA[A>C]CCACACCTAGAGGGTGGAGAGGACATCTGAGACGCTGCACTAACAGCTAGTTAAAGCAGA-3'
Protein context (NP_000341.2, residues 1609-1629): LETEDNIKVW[Phe1619Val]NNKGWHALVS

ClinVar aggregate classification (germline): Uncertain significance. Review status: criteria provided, multiple submitters, no conflicts (2 of 4 stars). 3 submissions from 3 submitters: Uncertain significance (3). Last evaluated 2025-01-31.

Conditions:
Inborn genetic diseases. Identifiers: MedGen C0950123, MeSH D030342.

Allele frequency attached by ClinVar (database versions not stated): gnomAD exomes 0.00001; TOPMed 0.00001.
gnomAD v4.1: 15 of 1,614,140 alleles (0.00093%); highest among the groups gnomAD compares: Non-Finnish European, 0.0012%; no homozygotes.

Submissions (3):

Ambry Genetics
Classification: Uncertain significance for Inborn genetic diseases. Last evaluated: 2025-01-31. Review status: criteria provided, single submitter. Criteria: Ambry Variant Classification Scheme 2023. Collection method: clinical testing. Allele origin: germline.

Labcorp Genetics (formerly Invitae), Labcorp
Classification: Uncertain significance. Last evaluated: 2022-02-19. Review status: criteria provided, single submitter. Criteria: Invitae Variant Classification Sherloc (09022015). Collection method: clinical testing. Allele origin: germline.
Comment: This sequence change replaces phenylalanine, which is neutral and non-polar, with valine, which is neutral and non-polar, at codon 1619 of the ABCA4 protein (p.Phe1619Val). This variant is not present in population databases (gnomAD no frequency). This missense change has been observed in individual(s) with clinical features of Stargardt Disease (PMID: 32619608). Advanced modeling of protein sequence and biophysical properties (such as structural, functional, and spatial information, amino acid conservation, physicochemical variation, residue mobility, and thermodynamic stability) performed at Invitae indicates that this missense variant is expected to disrupt ABCA4 protein function. In summary, the available evidence is currently insufficient to determine the role of this variant in disease. Therefore, it has been classified as a Variant of Uncertain Significance.

Blueprint Genetics
Classification: Uncertain significance. Last evaluated: 2021-11-01. Review status: criteria provided, single submitter. Criteria: ACMG Guidelines, 2015. Collection method: clinical testing. Allele origin: germline.

Literature cited by the submitters: PubMed 32619608 (cited by Labcorp Genetics (formerly Invitae), Labcorp).